The following is an entry in ClinVar:

ClinVar aggregate classification (germline): Uncertain significance (1 of 4 stars; one submission).

Submission:

Labcorp Genetics (formerly Invitae), Labcorp
Classification: Uncertain significance. Last evaluated: 2022-09-13. Review status: criteria provided, single submitter. Criteria: Invitae Variant Classification Sherloc (09022015). Collection method: clinical testing. Allele origin: germline.
Comment: This variant has not been reported in the literature in individuals affected with ARID1B-related conditions. This variant is not present in population databases (gnomAD no frequency). This sequence change replaces glycine, which is neutral and non-polar, with valine, which is neutral and non-polar, at codon 324 of the ARID1B protein (p.Gly324Val). Advanced modeling of protein sequence and biophysical properties (such as structural, functional, and spatial information, amino acid conservation, physicochemical variation, residue mobility, and thermodynamic stability) performed at Invitae indicates that this missense variant is not expected to disrupt ARID1B protein function. In summary, the available evidence is currently insufficient to determine the role of this variant in disease. Therefore, it has been classified as a Variant of Uncertain Significance.

NM_001374828.1(ARID1B):c.1220G>T (p.Gly407Val)

Gene: ARID1B (AT-rich interaction domain 1B; plus strand). Cytogenetic location: 6q25.3.
Variant type: single nucleotide variant.
Coding change: c.1220G>T on transcript NM_001374828.1 (MANE Select); coding-DNA position 1220, G replaced by T.
Protein change: p.Gly407Val; replaces glycine 407 with valine.
Molecular consequence: missense variant.
Genome position (GRCh38, 1-based): chr6:156,778,900, G>T. VCF-style: chr6-156778900-G-T. GRCh37 (hg19) VCF-style: chr6-157100034-G-T.
Other names: c.971G>T, p.Gly324Val (NM_001346813.1, NM_020732.3); c.1220G>T, p.Gly407Val (NM_001371656.1, NM_001374820.1, NM_017519.3); c.797G>T, p.Gly266Val (NM_175863.2); short protein forms G407V, G266V, G324V.
Identifiers: ClinVar variation 2009545 (VCV002009545.4), dbSNP rs1057522183, ClinGen allele CA366383585.